The following is an entry in ClinVar:

ClinVar aggregate classification (germline): Benign. Review status: criteria provided, multiple submitters, no conflicts (2 of 4 stars). 2 submissions from 2 submitters: Benign (2). Last evaluated 2025-12-24.

Allele frequency attached by ClinVar (database versions not stated): gnomAD exomes 0.00269 and 0.00105; ExAC 0.00332; ESP Exome Variant Server 0.01153; 1000 Genomes Project 30x 0.01187; 1000 Genomes Project 0.01038; gnomAD 0.01043 and 0.01127; TOPMed 0.01196.
gnomAD v4.1: 3,176 of 1,583,366 alleles (0.2%); highest among the groups gnomAD compares: African/African-American, 3.7%; 65 homozygotes.

Submissions (2):

Labcorp Genetics (formerly Invitae), Labcorp
Classification: Benign. Last evaluated: 2025-12-24. Review status: criteria provided, single submitter. Criteria: Invitae Variant Classification Sherloc (09022015). Collection method: clinical testing. Allele origin: germline.

Mayo Clinic Laboratories, Mayo Clinic
Classification: Benign. Last evaluated: 2023-10-12. Review status: criteria provided, single submitter. Criteria: ACMG Guidelines, 2015. Collection method: clinical testing. Allele origin: germline. Observed: 2 variant alleles.
Comment: BA1, BS2, BP4, BP7

NM_001080512.3(BICC1):c.2016-8T>C

Gene: BICC1 (BicC family RNA binding protein 1; plus strand). Cytogenetic location: 10q21.1.
Variant type: single nucleotide variant.
Coding change: c.2016-8T>C on transcript NM_001080512.3 (MANE Select); 8 bases into the intron before coding-DNA position 2016, T replaced by C.
Molecular consequence: intron variant.
Genome position (GRCh38, 1-based): chr10:58,803,069, T>C. VCF-style: chr10-58803069-T-C. GRCh37 (hg19) VCF-style: chr10-60562829-T-C.
Other names: p.?.
Identifiers: ClinVar variation 768366 (VCV000768366.10), dbSNP rs16912609, ClinGen allele CA5508685.
Genomic context (GRCh38, chr10:58,803,069, plus strand): 5'-CATGTAGGAAACATTCAGTACATTTGTATATATAGTGGAGTGTTAAATTCCACACTCTTA[T>C]TTCACAGCAGCACTGACAGGTTGCTCTCAGACCCTGAACTGAGTGCTACCGAAAGCCCTT-3'